The following is an entry in ClinVar:

ClinVar aggregate classification (germline): Uncertain significance (1 of 4 stars; one submission).

Conditions:
Early-infantile DEE. Also called: Ohtahara syndrome; Early infantile epileptic encephalopathy with suppression bursts; Early infantile epileptic encephalopathy. Identifiers: Orphanet 1934, MedGen C0393706, MONDO:0800491.

Submission:

Labcorp Genetics (formerly Invitae), Labcorp
Classification: Uncertain significance for Early-infantile DEE. Last evaluated: 2025-03-31. Review status: criteria provided, single submitter. Criteria: Invitae Variant Classification Sherloc (09022015). Collection method: clinical testing. Allele origin: germline.
Comment: This sequence change replaces lysine, which is basic and polar, with asparagine, which is neutral and polar, at codon 24 of the HCN1 protein (p.Lys24Asn). This variant is not present in population databases (gnomAD no frequency). This variant has not been reported in the literature in individuals affected with HCN1-related conditions. ClinVar contains an entry for this variant (Variation ID: 2696930). Invitae Evidence Modeling of protein sequence and biophysical properties (such as structural, functional, and spatial information, amino acid conservation, physicochemical variation, residue mobility, and thermodynamic stability) indicates that this missense variant is not expected to disrupt HCN1 protein function with a negative predictive value of 95%. In summary, the available evidence is currently insufficient to determine the role of this variant in disease. Therefore, it has been classified as a Variant of Uncertain Significance.

NM_021072.4(HCN1):c.72G>C (p.Lys24Asn)

Gene: HCN1 (hyperpolarization activated cyclic nucleotide gated potassium channel 1; minus strand). Cytogenetic location: 5p12.
Variant type: single nucleotide variant.
Coding change: c.72G>C on transcript NM_021072.4 (MANE Select); coding-DNA position 72, G replaced by C.
Protein change: p.Lys24Asn; replaces lysine 24 with asparagine.
Molecular consequence: missense variant.
Genome position (GRCh38, 1-based): chr5:45,696,022, C>G on the plus strand (G>C on the coding strand, the complement: HCN1 is on the minus strand). VCF-style: chr5-45696022-C-G. GRCh37 (hg19) VCF-style: chr5-45696124-C-G.
Other names: short protein forms K24N.
Identifiers: ClinVar variation 2696930 (VCV002696930.3), dbSNP rs2478645008, ClinGen allele CA359706802.